The following is an entry in ClinVar:

ClinVar aggregate classification (germline): Pathogenic (1 of 4 stars; one submission).

Conditions:
Cardiovascular phenotype. Identifiers: MedGen CN230736.
Hereditary cancer-predisposing syndrome. Also called: Neoplastic Syndromes, Hereditary; Tumor predisposition; Hereditary neoplastic syndrome; Hereditary Cancer Syndrome. Identifiers: Orphanet 140162, MedGen C0027672, MeSH D009386, MONDO:0015356.

Submission:

Ambry Genetics
Classification: Pathogenic for Cardiovascular phenotype; Hereditary cancer-predisposing syndrome. Last evaluated: 2026-09-01. Review status: criteria provided, single submitter. Criteria: Ambry Variant Classification Scheme 2023. Collection method: clinical testing. Allele origin: germline.
Comment: The c.6364+2dupT intronic pathogenic mutation, results from a duplication of one nucleotide at nucleotide position 6364+2 after intron 41 of the NF1 gene. Other variants impacting the same donor site (c.6364+5G>C, c.6364+5G>A) have been shown to have a similar impact on splicing in individuals with features consistent with neurofibromatosis type 1 (NF1) (Spits C et al. Mol Hum Reprod, 2005 May;11:381-7; Ambry internal data). This variant is considered to be rare based on population cohorts in the Genome Aggregation Database (gnomAD). This nucleotide position is highly conserved in available vertebrate species. In silico splice site analysis predicts that this alteration will weaken the native splice donor site. Variants that disrupt the canonical splice site are expected to cause aberrant splicing, resulting in an abnormal protein or a transcript that is subject to nonsense-mediated mRNA decay. As such, this variant is classified as a disease-causing mutation.

Literature cited by the submitters: PubMed 15833774.

NM_001042492.3(NF1):c.6427+2dup

Gene: NF1 (neurofibromin 1; plus strand). Cytogenetic location: 17q11.2.
Variant type: Duplication.
Coding change: c.6427+2dup on transcript NM_001042492.3 (MANE Select); the canonical splice donor site of the intron after coding-DNA position 6427, one base duplicated (T; older notation c.6427+2dupT).
Molecular consequence: splice donor variant.
Genome position (GRCh38, 1-based): chr17:31,336,916, T duplicated. VCF-style (leftmost placement, unchanged base first): chr17-31336915-G-GT. GRCh37 (hg19) VCF-style: chr17-29663933-G-GT.
Other names: c.6364+2dup (NM_000267.4).
Identifiers: ClinVar variation 5025630 (VCV005025630.1).